The following is an entry in ClinVar:

NM_001199138.2(NLRC4):c.910A>G (p.Ser304Gly)

Gene: NLRC4 (NLR family CARD domain containing 4; minus strand). Cytogenetic location: 2p22.3.
Variant type: single nucleotide variant.
Coding change: c.910A>G on transcript NM_001199138.2 (MANE Select); coding-DNA position 910, A replaced by G.
Protein change: p.Ser304Gly; replaces serine 304 with glycine.
Molecular consequence: missense variant. On other transcripts: intron variant (1).
Genome position (GRCh38, 1-based): chr2:32,250,954, T>C on the plus strand (A>G on the coding strand, the complement: NLRC4 is on the minus strand). VCF-style: chr2-32250954-T-C. GRCh37 (hg19) VCF-style: chr2-32476023-T-C.
Other names: c.910A>G, p.Ser304Gly (NM_001199139.2, NM_021209.5); c.262+1465A>G (NM_001302504.1); short protein forms S304G.
Identifiers: ClinVar variation 3761940 (VCV003761940.2).

ClinVar aggregate classification (germline): Uncertain significance (1 of 4 stars; one submission).

Conditions:
Periodic fever-infantile enterocolitis-autoinflammatory syndrome. Also called: Autoinflammation with infantile enterocolitis. Identifiers: Orphanet 436166, MedGen C4015067, MONDO:0014472, OMIM 616050.
Familial cold autoinflammatory syndrome 4 (FCAS4). Identifiers: Orphanet 47045, Orphanet 576349, MedGen C4015276, MONDO:0014498, OMIM 616115.

gnomAD v4.1: 3 of 1,614,192 alleles (0.00019%); highest among the groups gnomAD compares: South Asian, 0.0033%; no homozygotes.

Submission:

Labcorp Genetics (formerly Invitae), Labcorp
Classification: Uncertain significance for Periodic fever-infantile enterocolitis-autoinflammatory syndrome; Familial cold autoinflammatory syndrome 4. Last evaluated: 2025-02-21. Review status: criteria provided, single submitter. Criteria: Invitae Variant Classification Sherloc (09022015). Collection method: clinical testing. Allele origin: germline.
Comment: This sequence change replaces serine, which is neutral and polar, with glycine, which is neutral and non-polar, at codon 304 of the NLRC4 protein (p.Ser304Gly). This variant is present in population databases (rs773809612, gnomAD 0.006%). This variant has not been reported in the literature in individuals affected with NLRC4-related conditions. Invitae Evidence Modeling of protein sequence and biophysical properties (such as structural, functional, and spatial information, amino acid conservation, physicochemical variation, residue mobility, and thermodynamic stability) indicates that this missense variant is not expected to disrupt NLRC4 protein function with a negative predictive value of 80%. In summary, the available evidence is currently insufficient to determine the role of this variant in disease. Therefore, it has been classified as a Variant of Uncertain Significance.